The following is an entry in ClinVar:

ClinVar aggregate classification (germline): Uncertain significance (1 of 4 stars; one submission).

Conditions:
MYH6-related disorder. Also called: MYH6-Related Disorders; MYH6-related condition.

Submission:

PreventionGenetics, part of Exact Sciences
Classification: Uncertain significance for MYH6-related condition. Last evaluated: 2026-06-15. Review status: criteria provided, single submitter. Criteria: ACMG Guidelines, 2015. Collection method: clinical testing. Allele origin: germline.
Comment: The MYH6 c.5308_5309delinsCT variant is predicted to result in an in-frame deletion and insertion. To our knowledge, this variant has not been reported in the literature or in a large population database (gnomAD), indicating this variant is rare. At this time, the clinical significance of this variant is uncertain due to the absence of conclusive functional and genetic evidence.

NM_002471.4(MYH6):c.5308_5309delinsCT (p.Glu1770Leu)

Gene: MYH6 (myosin heavy chain 6; minus strand). Cytogenetic location: 14q11.2.
Variant type: Indel.
Coding change: c.5308_5309delinsCT on transcript NM_002471.4 (MANE Select); coding-DNA positions 5308 to 5309, GA replaced by CT.
Protein change: p.Glu1770Leu; replaces glutamic acid 1770 with leucine.
Molecular consequence: missense variant.
Genome position (GRCh38, 1-based): chr14:23,384,698-23,384,699, TC replaced by AG on the plus strand (GA replaced by CT on the coding strand, the reverse complement: MYH6 is on the minus strand). VCF-style: chr14-23384698-TC-AG. GRCh37 (hg19) VCF-style: chr14-23853907-TC-AG.
Other names: c.5308_5309delGAinsCT, p.Glu1770Leu (NM_002471.3); short protein forms E1770L.
Identifiers: ClinVar variation 4991913 (VCV004991913.1).